The following is an entry in ClinVar:

NM_001042492.3(NF1):c.998_1062+7dup

Gene: NF1 (neurofibromin 1; plus strand). Cytogenetic location: 17q11.2.
Variant type: Duplication.
Coding change: c.998_1062+7dup on transcript NM_001042492.3 (MANE Select); coding-DNA position 998 through 7 bases into the intron after coding-DNA position 1062, 72 bases duplicated.
Molecular consequence: splice donor variant.
Genome position (GRCh38, 1-based): chr17:31,200,531-31,200,602, 72 bases duplicated. GRCh37 (hg19): chr17:29,527,549-29,527,620.
Other names: c.998_1062+7dup (NM_000267.4, NM_001128147.3).
Identifiers: ClinVar variation 4860940 (VCV004860940.2).

ClinVar aggregate classification (germline): Likely pathogenic (1 of 4 stars; one submission).

Conditions:
Cardiovascular phenotype. Identifiers: MedGen CN230736.
Hereditary cancer-predisposing syndrome. Also called: Neoplastic Syndromes, Hereditary; Tumor predisposition; Hereditary Cancer Syndrome; Hereditary neoplastic syndrome. Identifiers: Orphanet 140162, MedGen C0027672, MeSH D009386, MONDO:0015356.

Submission:

Ambry Genetics
Classification: Likely pathogenic for Cardiovascular phenotype; Hereditary cancer-predisposing syndrome. Last evaluated: 2026-07-29. Review status: criteria provided, single submitter. Criteria: Ambry Variant Classification Scheme 2023. Collection method: clinical testing. Allele origin: germline.
Comment: The c.998_1062+7dup72 variant results from a duplication of 72 nucleotides between positions c.998 and c.1062+7 and involves the canonical splice donor site after coding exon 9 of the NF1 gene. The canonical splice donor site is highly conserved in available vertebrate species. In silico splice site analysis for this alteration is inconclusive. RNA studies have demonstrated that this variant results in abnormal splicing in the set of samples tested (Ambry internal data). This variant is considered to be rare based on population cohorts in the Genome Aggregation Database (gnomAD). Based on the majority of available evidence to date, this variant is likely to be pathogenic.